The following is an entry in ClinVar:

NM_052947.4(ALPK2):c.2571C>G (p.Asp857Glu)

Gene: ALPK2 (alpha kinase 2; minus strand). Cytogenetic location: 18q21.31.
Variant type: single nucleotide variant.
Coding change: c.2571C>G on transcript NM_052947.4 (MANE Select); coding-DNA position 2571, C replaced by G.
Protein change: p.Asp857Glu; replaces aspartic acid 857 with glutamic acid.
Molecular consequence: missense variant.
Genome position (GRCh38, 1-based): chr18:58,537,616, G>C on the plus strand (C>G on the coding strand, the complement: ALPK2 is on the minus strand). VCF-style: chr18-58537616-G-C. GRCh37 (hg19) VCF-style: chr18-56204848-G-C.
Other names: short protein forms D857E.
Identifiers: ClinVar variation 2449228 (VCV002449228.2), dbSNP rs2518877508, ClinGen allele CA402570244.

ClinVar aggregate classification (germline): Uncertain significance (1 of 4 stars; one submission).

Submission:

Ambry Genetics
Classification: Uncertain significance. Last evaluated: 2022-12-14. Review status: criteria provided, single submitter. Criteria: Ambry Variant Classification Scheme 2023. Collection method: clinical testing. Allele origin: germline.
Comment: The p.D857E variant (also known as c.2571C>G), located in coding exon 4 of the ALPK2 gene, results from a C to G substitution at nucleotide position 2571. The aspartic acid at codon 857 is replaced by glutamic acid, an amino acid with highly similar properties. This amino acid position is conserved. In addition, this alteration is predicted to be tolerated by in silico analysis. Since supporting evidence is limited at this time, the clinical significance of this alteration remains unclear.